The following is an entry in ClinVar:

ClinVar aggregate classification (germline): Uncertain significance (1 of 4 stars; one submission).

gnomAD v4.1: 18 of 1,613,770 alleles (0.0011%); highest among the groups gnomAD compares: Non-Finnish European, 0.0015%; no homozygotes.

Submission:

Labcorp Genetics (formerly Invitae), Labcorp
Classification: Uncertain significance. Last evaluated: 2025-03-26. Review status: criteria provided, single submitter. Criteria: Invitae Variant Classification Sherloc (09022015). Collection method: clinical testing. Allele origin: germline.
Comment: This sequence change falls in intron 7 of the MAD2L2 gene. It does not directly change the encoded amino acid sequence of the MAD2L2 protein. It affects a nucleotide within the consensus splice site. This variant is present in population databases (rs375006460, gnomAD 0.002%). This variant has not been reported in the literature in individuals affected with MAD2L2-related conditions. Variants that disrupt the consensus splice site are a relatively common cause of aberrant splicing (PMID: 17576681, 9536098). Algorithms developed to predict the effect of sequence changes on RNA splicing suggest that this variant is not likely to affect RNA splicing. In summary, the available evidence is currently insufficient to determine the role of this variant in disease. Therefore, it has been classified as a Variant of Uncertain Significance.

Literature cited by the submitters: PubMed 17576681; PubMed 9536098.

NM_006341.4(MAD2L2):c.501+6A>T

Gene: MAD2L2 (mitotic arrest deficient 2 like 2; minus strand). Cytogenetic location: 1p36.22.
Variant type: single nucleotide variant.
Coding change: c.501+6A>T on transcript NM_006341.4 (MANE Select); 6 bases into the intron after coding-DNA position 501, A replaced by T.
Molecular consequence: intron variant.
Genome position (GRCh38, 1-based): chr1:11,675,652, T>A on the plus strand (A>T on the coding strand, the complement: MAD2L2 is on the minus strand). VCF-style: chr1-11675652-T-A. GRCh37 (hg19) VCF-style: chr1-11735709-T-A.
Other names: c.501+6A>T (NM_001127325.2).
Identifiers: ClinVar variation 3697467 (VCV003697467.2).